The following is an entry in ClinVar:

ClinVar aggregate classification (germline): Pathogenic. Review status: criteria provided, single submitter (1 of 4 stars). 2 submissions from 1 submitter: Pathogenic (1). 1 of the submissions does not count toward it. Last evaluated 2022-09-04.

Conditions:
Spastic paraplegia. Identifiers: MedGen C0037772, HP:0001258.

Submissions (2):

Labcorp Genetics (formerly Invitae), Labcorp
Classification: Pathogenic for Spastic paraplegia. Last evaluated: 2022-09-04. Review status: criteria provided, single submitter. Criteria: Invitae Variant Classification Sherloc (09022015). Collection method: clinical testing. Allele origin: germline.
Comment: A gross deletion of the genomic region encompassing the full coding sequence of the AP4E1 gene has been identified. Loss-of-function variants in AP4E1 are known to be pathogenic (PMID: 21620353, 21937992, 23472171). The boundaries of this event are unknown as they extend beyond the assayed region for this gene and therefore may encompass additional genes. This variant has not been reported in the literature in individuals affected with AP4E1-related conditions. For these reasons, this variant has been classified as Pathogenic.

Labcorp Genetics (formerly Invitae), Labcorp
Classification: Pathogenic. Last evaluated: 2022-09-04. Review status: flagged submission. Criteria: Invitae Variant Classification Sherloc (09022015). Collection method: clinical testing. Allele origin: germline. Not counted in ClinVar's aggregate classification.
Comment: A gross deletion of the genomic region encompassing the full coding sequence of the DMXL2 gene has been identified. Loss-of-function variants in DMXL2 are known to be pathogenic (PMID: 30237576, 31688942). The boundaries of this event are unknown as they extend beyond the assayed region for this gene and therefore may encompass additional genes. Isolated whole-gene deletion of DMXL2 have not been reported in the literature. However, larger copy number events that include this gene have been reported (PMID: 30732576). For these reasons, this variant has been classified as Pathogenic.
ClinVar note: Reason: This record appears to be redundant with a more recent record from the same submitter.
ClinVar note: Notes: SCV003792428 appears to be redundant with SCV003791670.

Literature cited by the submitters: PubMed 21620353; PubMed 21937992; PubMed 23472171; PubMed 30237576; PubMed 31688942; PubMed 30732576.

NC_000015.9:g.(?_50999997)_(54025330_?)del

Genes: AP4E1 (adaptor related protein complex 4 subunit epsilon 1; plus strand), ARPP19 (cAMP regulated phosphoprotein 19; minus strand), ATOSA (atos homolog A; minus strand), BCL2L10 (BCL2 like 10; minus strand), CYP19A1 (cytochrome P450 family 19 subfamily A member 1; minus strand) and 15 more. Cytogenetic location: 15q21.2-21.3.
Variant type: Deletion.
Identifiers: ClinVar variation 2423927 (VCV002423927.3).